The following is an entry in ClinVar:

ClinVar aggregate classification (germline): Uncertain significance. Review status: criteria provided, multiple submitters, no conflicts (2 of 4 stars). 2 submissions from 2 submitters: Uncertain significance (2). Last evaluated 2025-10-08.

Conditions:
Inborn genetic diseases. Identifiers: MedGen C0950123, MeSH D030342.

Allele frequency attached by ClinVar (database versions not stated): gnomAD exomes 0.00001.
gnomAD v4.1: 15 of 1,608,780 alleles (0.00093%); highest among the groups gnomAD compares: East Asian, 0.0022%; no homozygotes.

Submissions (2):

Labcorp Genetics (formerly Invitae), Labcorp
Classification: Uncertain significance. Last evaluated: 2025-10-08. Review status: criteria provided, single submitter. Criteria: Invitae Variant Classification Sherloc (09022015). Collection method: clinical testing. Allele origin: germline.
Comment: This sequence change replaces arginine, which is basic and polar, with cysteine, which is neutral and slightly polar, at codon 160 of the FAR1 protein (p.Arg160Cys). This variant is present in population databases (no rsID available, gnomAD 0.009%). This variant has not been reported in the literature in individuals affected with FAR1-related conditions. ClinVar contains an entry for this variant (Variation ID: 1519489). Invitae Evidence Modeling of protein sequence and biophysical properties (such as structural, functional, and spatial information, amino acid conservation, physicochemical variation, residue mobility, and thermodynamic stability) has been performed for this missense variant. However, the output from this modeling did not meet the statistical confidence thresholds required to predict the impact of this variant on FAR1 protein function. In summary, the available evidence is currently insufficient to determine the role of this variant in disease. Therefore, it has been classified as a Variant of Uncertain Significance.

Ambry Genetics
Classification: Uncertain significance for Inborn genetic diseases. Last evaluated: 2024-03-21. Review status: criteria provided, single submitter. Criteria: Ambry Variant Classification Scheme 2023. Collection method: clinical testing. Allele origin: germline.

NM_032228.6(FAR1):c.478C>T (p.Arg160Cys)

Gene: FAR1 (fatty acyl-CoA reductase 1; plus strand). Cytogenetic location: 11p15.3.
Variant type: single nucleotide variant.
Coding change: c.478C>T on transcript NM_032228.6 (MANE Select); coding-DNA position 478, C replaced by T.
Protein change: p.Arg160Cys; replaces arginine 160 with cysteine.
Molecular consequence: missense variant.
Genome position (GRCh38, 1-based): chr11:13,708,012, C>T. VCF-style: chr11-13708012-C-T. GRCh37 (hg19) VCF-style: chr11-13729559-C-T.
Other names: c.478C>T (NM_032228.5); short protein forms R160C.
Identifiers: ClinVar variation 1519489 (VCV001519489.9), dbSNP rs1267562701, ClinGen allele CA379856980.